The following is an entry in ClinVar:

NM_020166.5(MCCC1):c.272T>C (p.Met91Thr)

Gene: MCCC1 (methylcrotonyl-CoA carboxylase subunit 1; minus strand). Cytogenetic location: 3q27.1.
Variant type: single nucleotide variant.
Coding change: c.272T>C on transcript NM_020166.5 (MANE Select); coding-DNA position 272, T replaced by C.
Protein change: p.Met91Thr; replaces methionine 91 with threonine.
Molecular consequence: missense variant. On other transcripts: non-coding transcript variant (1), intron variant (2).
Genome position (GRCh38, 1-based): chr3:183,092,410, A>G on the plus strand (T>C on the coding strand, the complement: MCCC1 is on the minus strand). VCF-style: chr3-183092410-A-G. GRCh37 (hg19) VCF-style: chr3-182810198-A-G.
Other names: c.-55+2149T>C (NM_001363880.1); c.44+2149T>C (NM_001293273.2); short protein forms M91T.
Identifiers: ClinVar variation 1008654 (VCV001008654.12), dbSNP rs1333663197, ClinGen allele CA355321494.

ClinVar aggregate classification (germline): Uncertain significance. Review status: criteria provided, single submitter (1 of 4 stars). 2 submissions from 2 submitters: Uncertain significance (1). 1 of the submissions does not count toward it. Last evaluated 2023-06-26.

Conditions:
3-methylcrotonyl-CoA carboxylase 1 deficiency (MCC1D). Also called: MCC 1 deficiency; 3 Alpha methylcrotonylglycinuria 1; MCCD TYPE 1; METHYLCROTONYLGLYCINURIA TYPE I. Identifiers: Orphanet 6, MedGen CN028786, MONDO:0008861, OMIM 210200.

Allele frequency attached by ClinVar (database versions not stated): gnomAD exomes below 0.00001.
gnomAD v4.1: 3 of 1,614,204 alleles (0.00019%); highest among the groups gnomAD compares: Non-Finnish European, 0.00025%; no homozygotes.

Submissions (2):

Labcorp Genetics (formerly Invitae), Labcorp
Classification: Uncertain significance for 3-methylcrotonyl-CoA carboxylase 1 deficiency. Last evaluated: 2023-06-26. Review status: criteria provided, single submitter. Criteria: Invitae Variant Classification Sherloc (09022015). Collection method: clinical testing. Allele origin: germline.
Comment: This sequence change replaces methionine, which is neutral and non-polar, with threonine, which is neutral and polar, at codon 91 of the MCCC1 protein (p.Met91Thr). This variant is not present in population databases (gnomAD no frequency). This missense change has been observed in individual(s) with clinical features of 3-methylcrotonyl-CoA carboxylase deficiency (Invitae). In at least one individual the data is consistent with being in trans (on the opposite chromosome) from a pathogenic variant. ClinVar contains an entry for this variant (Variation ID: 1008654). An algorithm developed to predict the effect of missense changes on protein structure and function (PolyPhen-2) suggests that this variant is likely to be disruptive. In summary, the available evidence is currently insufficient to determine the role of this variant in disease. Therefore, it has been classified as a Variant of Uncertain Significance.

Natera, Inc.
Classification: Uncertain significance for 3-methylcrotonyl-CoA carboxylase 1 deficiency. Last evaluated: 2021-10-04. Review status: no assertion criteria provided. Collection method: clinical testing. Allele origin: germline. Not counted in ClinVar's aggregate classification.